The following is an entry in ClinVar:

NM_002890.3(RASA1):c.229G>A (p.Val77Met)

Gene: RASA1 (RAS p21 protein activator 1; plus strand). Cytogenetic location: 5q14.3.
Variant type: single nucleotide variant.
Coding change: c.229G>A on transcript NM_002890.3 (MANE Select); coding-DNA position 229, G replaced by A.
Protein change: p.Val77Met; replaces valine 77 with methionine.
Molecular consequence: missense variant.
Genome position (GRCh38, 1-based): chr5:87,268,680, G>A. VCF-style: chr5-87268680-G-A. GRCh37 (hg19) VCF-style: chr5-86564497-G-A.
Other names: short protein forms V77M.
Identifiers: ClinVar variation 4774363 (VCV004774363.1).

ClinVar aggregate classification (germline): Uncertain significance (1 of 4 stars; one submission).

Conditions:
Capillary malformation-arteriovenous malformation syndrome. Also called: Capillary malformation-arteriovenous malformation. Identifiers: Orphanet 137667, MedGen C1842180, MONDO:0012016.

gnomAD v4.1: 1 of 1,611,624 alleles (0.000062%); no homozygotes.

Submission:

Labcorp Genetics (formerly Invitae), Labcorp
Classification: Uncertain significance for Capillary malformation-arteriovenous malformation syndrome. Last evaluated: 2025-07-30. Review status: criteria provided, single submitter. Criteria: Invitae Variant Classification Sherloc (09022015). Collection method: clinical testing. Allele origin: germline.
Comment: This sequence change replaces valine, which is neutral and non-polar, with methionine, which is neutral and non-polar, at codon 77 of the RASA1 protein (p.Val77Met). This variant is not present in population databases (gnomAD no frequency). This variant has not been reported in the literature in individuals affected with RASA1-related conditions. An algorithm developed to predict the effect of missense changes on protein structure and function outputs the following: PolyPhen-2: "Possibly Damaging". The methionine amino acid residue is found in multiple mammalian species, which suggests that this missense change does not adversely affect protein function. In summary, the available evidence is currently insufficient to determine the role of this variant in disease. Therefore, it has been classified as a Variant of Uncertain Significance.